The following is an entry in ClinVar:

NM_022168.4(IFIH1):c.63G>T (p.Arg21Ser)

Gene: IFIH1 (interferon induced with helicase C domain 1; minus strand). Cytogenetic location: 2q24.2.
Variant type: single nucleotide variant.
Coding change: c.63G>T on transcript NM_022168.4 (MANE Select); coding-DNA position 63, G replaced by T.
Protein change: p.Arg21Ser; replaces arginine 21 with serine.
Molecular consequence: missense variant.
Genome position (GRCh38, 1-based): chr2:162,318,245, C>A on the plus strand (G>T on the coding strand, the complement: IFIH1 is on the minus strand). VCF-style: chr2-162318245-C-A. GRCh37 (hg19) VCF-style: chr2-163174755-C-A.
Other names: short protein forms R21S.
Identifiers: ClinVar variation 1059339 (VCV001059339.9), dbSNP rs553228814, ClinGen allele CA1934899.
Genomic context (GRCh38, chr2:162,318,245, plus strand): 5'-CTCTGCAGGCAGAAAGGTCAGGTAGTCCAGCACAGGCTCCACCTGGATGTACATTTTCAC[C>A]CTGGCCCTGAAGCACGAGATGAGATAGCGGAAATTCTCGTCTGTGGAATACCCATTCGAC-3'
Protein context (NP_071451.2, residues 11-31): FRYLISCFRA[Arg21Ser]VKMYIQVEPV

ClinVar aggregate classification (germline): Uncertain significance (1 of 4 stars; one submission).

Conditions:
Aicardi-Goutieres syndrome 7 (AGS7). Identifiers: Orphanet 51, MedGen C3888244, MONDO:0014367, OMIM 615846.
Singleton-Merten syndrome 1 (SGMRT1). Also called: Widened medullary cavities of bone, aortic calcification, abnormal dentition, and muscular weakness; Syndrome of widened medullary cavities of the metacarpals and phalanges, aortic calcification and abnormal dentition. Identifiers: Orphanet 85191, MedGen C4225427, MONDO:0024535, OMIM 182250.

Allele frequency attached by ClinVar (database versions not stated): 1000 Genomes Project 0.00040; ExAC 0.00002; TOPMed 0.00002; gnomAD 0.00003; 1000 Genomes Project 30x 0.00047.
gnomAD v4.1: 7 of 1,614,148 alleles (0.00043%); highest among the groups gnomAD compares: African/African-American, 0.008%; no homozygotes.

Submission:

Labcorp Genetics (formerly Invitae), Labcorp
Classification: Uncertain significance for Aicardi-Goutieres syndrome 7; Singleton-Merten syndrome 1. Last evaluated: 2025-09-17. Review status: criteria provided, single submitter. Criteria: Invitae Variant Classification Sherloc (09022015). Collection method: clinical testing. Allele origin: germline.
Comment: This sequence change replaces arginine, which is basic and polar, with serine, which is neutral and polar, at codon 21 of the IFIH1 protein (p.Arg21Ser). This variant is present in population databases (rs553228814, gnomAD 0.02%). This variant has not been reported in the literature in individuals affected with IFIH1-related conditions. ClinVar contains an entry for this variant (Variation ID: 1059339). Invitae Evidence Modeling of protein sequence and biophysical properties (such as structural, functional, and spatial information, amino acid conservation, physicochemical variation, residue mobility, and thermodynamic stability) has been performed for this missense variant. However, the output from this modeling did not meet the statistical confidence thresholds required to predict the impact of this variant on IFIH1 protein function. In summary, the available evidence is currently insufficient to determine the role of this variant in disease. Therefore, it has been classified as a Variant of Uncertain Significance.